The following is an entry in ClinVar:

ClinVar aggregate classification (germline): Uncertain significance (1 of 4 stars; one submission).

gnomAD v4.1: 3 of 1,612,134 alleles (0.00019%); highest among the groups gnomAD compares: Non-Finnish European, 0.00025%; no homozygotes.

Submission:

Labcorp Genetics (formerly Invitae), Labcorp
Classification: Uncertain significance. Last evaluated: 2024-10-25. Review status: criteria provided, single submitter. Criteria: Invitae Variant Classification Sherloc (09022015). Collection method: clinical testing. Allele origin: germline.
Comment: This sequence change replaces serine, which is neutral and polar, with cysteine, which is neutral and slightly polar, at codon 2584 of the FAT4 protein (p.Ser2584Cys). This variant is present in population databases (no rsID available, gnomAD 0.007%). This variant has not been reported in the literature in individuals affected with FAT4-related conditions. ClinVar contains an entry for this variant (Variation ID: 1509467). Invitae Evidence Modeling of protein sequence and biophysical properties (such as structural, functional, and spatial information, amino acid conservation, physicochemical variation, residue mobility, and thermodynamic stability) indicates that this missense variant is not expected to disrupt FAT4 protein function with a negative predictive value of 95%. In summary, the available evidence is currently insufficient to determine the role of this variant in disease. Therefore, it has been classified as a Variant of Uncertain Significance.

NM_001291303.3(FAT4):c.7757C>G (p.Ser2586Cys)

Gene: FAT4 (FAT atypical cadherin 4; plus strand). Cytogenetic location: 4q28.1.
Variant type: single nucleotide variant.
Coding change: c.7757C>G on transcript NM_001291303.3 (MANE Select); coding-DNA position 7757, C replaced by G.
Protein change: p.Ser2586Cys; replaces serine 2586 with cysteine.
Molecular consequence: missense variant.
Genome position (GRCh38, 1-based): chr4:125,448,767, C>G. VCF-style: chr4-125448767-C-G. GRCh37 (hg19) VCF-style: chr4-126369922-C-G.
Other names: c.7757C>G, p.Ser2586Cys (NM_001291285.3); c.7751C>G, p.Ser2584Cys (NM_024582.6); short protein forms S2584C, S2586C.
Identifiers: ClinVar variation 1509467 (VCV001509467.7), dbSNP rs370451325, ClinGen allele CA358141556.